The following is an entry in ClinVar:

NM_001205293.3(CACNA1E):c.3723C>T (p.Asn1241=)

Gene: CACNA1E (calcium voltage-gated channel subunit alpha1 E; plus strand). Cytogenetic location: 1q25.3.
Variant type: single nucleotide variant.
Coding change: c.3723C>T on transcript NM_001205293.3 (MANE Select); coding-DNA position 3723, C replaced by T.
Protein change: p.Asn1241=; no amino-acid change (asparagine 1241 retained).
Molecular consequence: synonymous variant.
Genome position (GRCh38, 1-based): chr1:181,750,479, C>T. VCF-style: chr1-181750479-C-T. GRCh37 (hg19) VCF-style: chr1-181719615-C-T.
Other names: p.Asn1241=; c.3723C>T, p.Asn1241= (NM_000721.4); c.3666C>T, p.Asn1222= (NM_001205294.2).
Identifiers: ClinVar variation 1599383 (VCV001599383.34), dbSNP rs762242384, ClinGen allele CA1275685.

ClinVar aggregate classification (germline): Benign/Likely benign. Review status: criteria provided, multiple submitters, no conflicts (2 of 4 stars). 5 submissions from 5 submitters: Benign (2); Likely benign (3). Last evaluated 2026-09-01.

Conditions:
Developmental and epileptic encephalopathy, 69. Also called: EPILEPTIC ENCEPHALOPATHY, EARLY INFANTILE, 69. Identifiers: MedGen C4748988, MONDO:0032657, OMIM 618285.

Allele frequency attached by ClinVar (database versions not stated): gnomAD 0.00009 and 0.00010; gnomAD exomes 0.00009 and 0.00016; ExAC 0.00011; TOPMed 0.00016.
gnomAD v4.1: 144 of 1,612,934 alleles (0.0089%); highest among the groups gnomAD compares: Admixed American, 0.042%; no homozygotes.

Submissions (5):

CeGaT Center for Human Genetics Tuebingen
Classification: Likely benign. Last evaluated: 2026-09-01. Review status: criteria provided, single submitter. Criteria: CeGaT Center For Human Genetics Tuebingen Variant Classification Criteria Version 2. Collection method: clinical testing. Allele origin: germline. Affected: yes. Observed: 3 variant alleles.
Comment: CACNA1E: BP4, BP7

Labcorp Genetics (formerly Invitae), Labcorp
Classification: Benign. Last evaluated: 2026-01-21. Review status: criteria provided, single submitter. Criteria: Invitae Variant Classification Sherloc (09022015). Collection method: clinical testing. Allele origin: germline.

Mayo Clinic Laboratories, Mayo Clinic
Classification: Likely benign. Last evaluated: 2025-03-17. Review status: criteria provided, single submitter. Criteria: ACMG Guidelines, 2015. Collection method: clinical testing. Allele origin: germline. Observed: 1 variant allele.
Comment: BS1, BP4, BP7

Blueprint Genetics
Classification: Likely benign. Last evaluated: 2024-09-25. Review status: criteria provided, single submitter. Criteria: ACMG Guidelines, 2015. Collection method: clinical testing. Allele origin: germline.

Genome-Nilou Lab
Classification: Benign for Developmental and epileptic encephalopathy, 69. Last evaluated: 2023-04-11. Review status: criteria provided, single submitter. Criteria: ACMG Guidelines, 2015. Collection method: clinical testing. Allele origin: germline. Affected: no.